The following is an entry in ClinVar:

ClinVar aggregate classification (germline): Uncertain significance (1 of 4 stars; one submission).

Submission:

GeneDx
Classification: Uncertain significance. Last evaluated: 2023-03-17. Review status: criteria provided, single submitter. Criteria: GeneDx Variant Classification Process June 2021. Collection method: clinical testing. Allele origin: germline. Affected: yes.
Comment: Has not been previously published as pathogenic or benign to our knowledge; Not observed in large population cohorts (gnomAD); Nonsense variant predicted to result in protein truncation or nonsense mediated decay in a gene or region of a gene for which loss of function is not a well-established mechanism of disease

NM_020774.4(MIB1):c.912del (p.Arg303_Trp304insTer)

Gene: MIB1 (MIB E3 ubiquitin protein ligase 1; plus strand). Cytogenetic location: 18q11.2.
Variant type: Deletion.
Coding change: c.912del on transcript NM_020774.4 (MANE Select); coding-DNA position 912, one base deleted (G; older notation c.912delG).
Protein change: p.Arg303_Trp304insTer.
Molecular consequence: nonsense. On other transcripts: frameshift variant (1).
Genome position (GRCh38, 1-based): chr18:21,791,377, G deleted; the last of 2 consecutive G bases (chr18:21,791,376-21,791,377); deleting either gives the same sequence. VCF-style (leftmost placement, unchanged base first): chr18-21791375-TG-T. GRCh37 (hg19) VCF-style: chr18-19371336-TG-T.
Other names: c.912delG, p.Trp304Terfs (NM_020774.3).
Identifiers: ClinVar variation 2444625 (VCV002444625.1), dbSNP rs2510729079, ClinGen allele CA2580095459.